The following is an entry in ClinVar:

ClinVar aggregate classification (germline): Uncertain significance. Review status: criteria provided, multiple submitters, no conflicts (2 of 4 stars). 2 submissions from 2 submitters: Uncertain significance (2). Last evaluated 2023-07-25.

Conditions:
Autosomal dominant nonsyndromic hearing loss 1. Also called: DEAFNESS, AUTOSOMAL DOMINANT 1, WITH OR WITHOUT THROMBOCYTOPENIA; KONIGSMARK SYNDROME. Identifiers: Orphanet 90635, MedGen C1852282, MONDO:0007424, OMIM 124900.
Progressive microcephaly-seizures-cortical blindness-developmental delay syndrome. Also called: Seizures, cortical blindness, and microcephaly syndrome. Identifiers: Orphanet 477814, MedGen C5567650, MONDO:0014714, OMIM 616632.
Inborn genetic diseases. Identifiers: MedGen C0950123, MeSH D030342.

Allele frequency attached by ClinVar (database versions not stated): gnomAD exomes 0.00001.
gnomAD v4.1: 8 of 1,613,804 alleles (0.0005%); highest among the groups gnomAD compares: Non-Finnish European, 0.00068%; no homozygotes.

Submissions (2):

Ambry Genetics
Classification: Uncertain significance for Inborn genetic diseases. Last evaluated: 2023-07-25. Review status: criteria provided, single submitter. Criteria: Ambry Variant Classification Scheme 2023. Collection method: clinical testing. Allele origin: germline.

Labcorp Genetics (formerly Invitae), Labcorp
Classification: Uncertain significance for Progressive microcephaly-seizures-cortical blindness-developmental delay syndrome; Autosomal dominant nonsyndromic hearing loss 1. Last evaluated: 2023-05-01. Review status: criteria provided, single submitter. Criteria: Invitae Variant Classification Sherloc (09022015). Collection method: clinical testing. Allele origin: germline.
Comment: An algorithm developed to predict the effect of missense changes on protein structure and function (PolyPhen-2) suggests that this variant is likely to be disruptive. In summary, the available evidence is currently insufficient to determine the role of this variant in disease. Therefore, it has been classified as a Variant of Uncertain Significance. This variant has not been reported in the literature in individuals affected with DIAPH1-related conditions. This variant is not present in population databases (gnomAD no frequency). This sequence change replaces methionine, which is neutral and non-polar, with threonine, which is neutral and polar, at codon 927 of the DIAPH1 protein (p.Met927Thr).

NM_005219.5(DIAPH1):c.2780T>C (p.Met927Thr)

Gene: DIAPH1 (diaphanous related formin 1; minus strand). Cytogenetic location: 5q31.3.
Variant type: single nucleotide variant.
Coding change: c.2780T>C on transcript NM_005219.5 (MANE Select); coding-DNA position 2780, T replaced by C.
Protein change: p.Met927Thr; replaces methionine 927 with threonine.
Molecular consequence: missense variant.
Genome position (GRCh38, 1-based): chr5:141,528,940, A>G on the plus strand (T>C on the coding strand, the complement: DIAPH1 is on the minus strand). VCF-style: chr5-141528940-A-G. GRCh37 (hg19) VCF-style: chr5-140908507-A-G.
Other names: c.2753T>C, p.Met918Thr (NM_001079812.3); c.2780T>C, p.Met927Thr (NM_001314007.2); short protein forms M918T, M927T.
Identifiers: ClinVar variation 2613595 (VCV002613595.5), dbSNP rs2099887797, ClinGen allele CA361585521.